The following is an entry in ClinVar:

ClinVar aggregate classification (germline): Uncertain significance. Review status: criteria provided, multiple submitters, no conflicts (2 of 4 stars). 2 submissions from 2 submitters: Uncertain significance (2). Last evaluated 2025-11-10.

Conditions:
Achromatopsia 3 (ACHM3). Also called: ACHROMATOPSIA WITH MYOPIA; TOTAL COLORBLINDNESS WITH MYOPIA; ROD MONOCHROMACY 1; ROD MONOCHROMATISM 1; PINGELAPESE BLINDNESS. Identifiers: Orphanet 49382, MedGen C1849792, MONDO:0009875, OMIM 262300.

Allele frequency attached by ClinVar (database versions not stated): gnomAD exomes below 0.00001; ExAC 0.00001; gnomAD 0.00001; TOPMed 0.00002.

Submissions (2):

Myriad Genetics, Inc.
Classification: Uncertain significance for Achromatopsia 3. Last evaluated: 2025-11-10. Review status: criteria provided, single submitter. Criteria: Myriad Autosomal Dominant, Autosomal Recessive and X-Linked Classification Criteria (2023). Collection method: clinical testing. Allele origin: unknown.
Comment: NM_019098.4(CNGB3):c.2395delC(T800Lfs*29) is a frameshift variant that results in protein elongation classified as a variant of uncertain significance in the context of achromatopsia, CNGB3-related. T800Lfs*29 has not been observed in cases with relevant disease. Relevant functional assessments of this variant are not available in the literature. T800Lfs*29 has been observed in referenced population frequency databases. In summary, there is insufficient evidence to classify NM_019098.4(CNGB3):c.2395delC(T800Lfs*29) as pathogenic or benign. Please note: this variant was assessed in the context of healthy population screening.

Labcorp Genetics (formerly Invitae), Labcorp
Classification: Uncertain significance. Last evaluated: 2024-12-16. Review status: criteria provided, single submitter. Criteria: Invitae Variant Classification Sherloc (09022015). Collection method: clinical testing. Allele origin: germline.
Comment: This sequence change creates a premature translational stop signal (p.Thr800Leufs*29) in the CNGB3 gene. While this is not anticipated to result in nonsense mediated decay, it is expected to disrupt the last 10 amino acid(s) of the CNGB3 protein. This variant is present in population databases (rs753199958, gnomAD 0.003%). This variant has not been reported in the literature in individuals affected with CNGB3-related conditions. ClinVar contains an entry for this variant (Variation ID: 2052781). In summary, the available evidence is currently insufficient to determine the role of this variant in disease. Therefore, it has been classified as a Variant of Uncertain Significance.

NM_019098.5(CNGB3):c.2395del (p.Thr800fs)

Gene: CNGB3 (cyclic nucleotide gated channel subunit beta 3; minus strand). Cytogenetic location: 8q21.3.
Variant type: Deletion.
Coding change: c.2395del on transcript NM_019098.5 (MANE Select); coding-DNA position 2395, one base deleted (C; older notation c.2395delC).
Protein change: p.Thr800fs; shifts the reading frame from threonine 800.
Molecular consequence: frameshift variant.
Genome position (GRCh38, 1-based): chr8:86,575,839, G deleted on the plus strand (C on the coding strand, the reverse complement: CNGB3 is on the minus strand). VCF-style (leftmost placement, unchanged base first): chr8-86575838-AG-A. GRCh37 (hg19) VCF-style: chr8-87588066-AG-A.
Other names: short protein forms T800fs.
Identifiers: ClinVar variation 2052781 (VCV002052781.5), dbSNP rs753199958, ClinGen allele CA4799732.
Genomic context (GRCh38, chr8:86,575,838, plus strand): 5'-TATCACATCTAAAGATAATCAAACATTTATTGCTTAGCCTTTTCTTTGACTTCAATAGTA[AG>A]AACCTCTTCTCCGCCCTCAGCAGAAGGAGCCATGCTGATAATGAGTGATTGACGAGAAGT-3'